The following is an entry in ClinVar:

NM_003803.4(MYOM1):c.1338C>T (p.Asn446=)

Gene: MYOM1 (myomesin 1; minus strand). Cytogenetic location: 18p11.31.
Variant type: single nucleotide variant.
Coding change: c.1338C>T on transcript NM_003803.4 (MANE Select); coding-DNA position 1338, C replaced by T.
Protein change: p.Asn446=; no amino-acid change (asparagine 446 retained).
Molecular consequence: synonymous variant.
Genome position (GRCh38, 1-based): chr18:3,168,818, G>A on the plus strand (C>T on the coding strand, the complement: MYOM1 is on the minus strand). VCF-style: chr18-3168818-G-A. GRCh37 (hg19) VCF-style: chr18-3168816-G-A.
Other names: c.1338C>T, p.Asn446= (NM_019856.2).
Identifiers: ClinVar variation 226799 (VCV000226799.19), dbSNP rs2230167, ClinGen allele CA8874988.

ClinVar aggregate classification (germline): Benign/Likely benign. Review status: criteria provided, multiple submitters, no conflicts (2 of 4 stars). 5 submissions from 5 submitters: Benign (4); Likely benign (1). Last evaluated 2026-02-04.

Conditions:
Hypertrophic cardiomyopathy. Also called: HYPERTROPHIC MYOCARDIOPATHY. Identifiers: Orphanet 217569, MedGen C0007194, MeSH D002312, MONDO:0005045, HP:0001639.

Allele frequency attached by ClinVar (database versions not stated): gnomAD exomes 0.25673; ExAC 0.26202; TOPMed 0.27529; gnomAD 0.27688 and 0.27728; ESP Exome Variant Server 0.27916; 1000 Genomes Project 0.28215; 1000 Genomes Project 30x 0.28482.
gnomAD v4.1: 433,466 of 1,612,432 alleles (27%); highest among the groups gnomAD compares: African/African-American, 32%; 59,073 homozygotes.

Submissions (5):

Labcorp Genetics (formerly Invitae), Labcorp
Classification: Benign for Hypertrophic cardiomyopathy. Last evaluated: 2026-02-04. Review status: criteria provided, single submitter. Criteria: Invitae Variant Classification Sherloc (09022015). Collection method: clinical testing. Allele origin: germline.

Ambry Genetics
Classification: Likely benign. Last evaluated: 2022-05-17. Review status: criteria provided, single submitter. Criteria: Ambry Variant Classification Scheme 2023. Collection method: clinical testing. Allele origin: germline.

GeneDx
Classification: Benign. Last evaluated: 2018-06-13. Review status: criteria provided, single submitter. Criteria: GeneDx Variant Classification (06012015). Collection method: clinical testing. Allele origin: germline. Affected: yes.
Comment: This variant is considered likely benign or benign based on one or more of the following criteria: it is a conservative change, it occurs at a poorly conserved position in the protein, it is predicted to be benign by multiple in silico algorithms, and/or has population frequency not consistent with disease.

Laboratory for Molecular Medicine, Mass General Brigham Personalized Medicine
Classification: Benign. Last evaluated: 2014-10-29. Review status: criteria provided, single submitter. Criteria: LMM Criteria. Collection method: clinical testing. Allele origin: germline. Observed: 228 variant alleles.
Comment: p.Asn446Asn in exon 9 of MYOM1: This variant is not expected to have clinical si gnificance because it has been identified in 31% (1167/3758) of African American chromosomes by the NHLBI Exome Sequencing Project (/EVS/; dbSNP rs2230167).

Breakthrough Genomics
Classification: Benign. Review status: criteria provided, single submitter. Criteria: ACMG Guidelines, 2015. Collection method: not provided. Allele origin: germline. Inheritance: Unknown mechanism. Affected: yes.